The following is an entry in ClinVar:

ClinVar aggregate classification (germline): Uncertain significance (1 of 4 stars; one submission).

Conditions:
Inborn genetic diseases. Identifiers: MedGen C0950123, MeSH D030342.

gnomAD v4.1: 1 of 1,614,012 alleles (0.000062%); highest among the groups gnomAD compares: Non-Finnish European, 0.000085%; no homozygotes.

Submission:

Ambry Genetics
Classification: Uncertain significance for Inborn genetic diseases. Last evaluated: 2022-09-24. Review status: criteria provided, single submitter. Criteria: Ambry Variant Classification Scheme 2023. Collection method: clinical testing. Allele origin: germline.
Comment: The p.D240E variant (also known as c.720C>A), located in coding exon 9 of the ERCC2 gene, results from a C to A substitution at nucleotide position 720. The aspartic acid at codon 240 is replaced by glutamic acid, an amino acid with highly similar properties. This amino acid position is conserved. In addition, the in silico prediction for this alteration is inconclusive. Since supporting evidence is limited at this time, the clinical significance of this alteration remains unclear.

NM_000400.4(ERCC2):c.720C>A (p.Asp240Glu)

Gene: ERCC2 (ERCC excision repair 2, TFIIH core complex helicase subunit; minus strand). Cytogenetic location: 19q13.32.
Variant type: single nucleotide variant.
Coding change: c.720C>A on transcript NM_000400.4 (MANE Select); coding-DNA position 720, C replaced by A.
Protein change: p.Asp240Glu; replaces aspartic acid 240 with glutamic acid.
Molecular consequence: missense variant.
Genome position (GRCh38, 1-based): chr19:45,364,330, G>T on the plus strand (C>A on the coding strand, the complement: ERCC2 is on the minus strand). VCF-style: chr19-45364330-G-T. GRCh37 (hg19) VCF-style: chr19-45867588-G-T.
Other names: c.648C>A, p.Asp216Glu (NM_001130867.2); short protein forms D216E, D240E.
Identifiers: ClinVar variation 1757707 (VCV001757707.2), dbSNP rs1213865808, ClinGen allele CA406374246.